The following is an entry in ClinVar:

NM_020806.5(GPHN):c.977G>A (p.Cys326Tyr)

Gene: GPHN (gephyrin; plus strand). Cytogenetic location: 14q23.3.
Variant type: single nucleotide variant.
Coding change: c.977G>A on transcript NM_020806.5 (MANE Select); coding-DNA position 977, G replaced by A.
Protein change: p.Cys326Tyr; replaces cysteine 326 with tyrosine.
Molecular consequence: missense variant.
Genome position (GRCh38, 1-based): chr14:67,023,646, G>A. VCF-style: chr14-67023646-G-A. GRCh37 (hg19) VCF-style: chr14-67490363-G-A.
Other names: c.878G>A, p.Cys293Tyr (NM_001024218.2); c.1037G>A, p.Cys346Tyr (NM_001377514.1); c.1007G>A, p.Cys336Tyr (NM_001377515.1); c.998G>A, p.Cys333Tyr (NM_001377516.1); c.950G>A, p.Cys317Tyr (NM_001377517.1); c.935G>A, p.Cys312Tyr (NM_001377518.1); c.917G>A, p.Cys306Tyr (NM_001377519.1); short protein forms C317Y, C333Y, C293Y, C306Y, C346Y, C312Y, C326Y, C336Y.
Identifiers: ClinVar variation 2186969 (VCV002186969.4), dbSNP rs1258366704, ClinGen allele CA390257065.

ClinVar aggregate classification (germline): Uncertain significance (1 of 4 stars; one submission).

Conditions:
Sulfite oxidase deficiency due to molybdenum cofactor deficiency type C. Also called: Molybdenum cofactor deficiency C; Molybdenum cofactor deficiency, complementation group C. Identifiers: Orphanet 308400, Orphanet 833, MedGen C1854990, MONDO:0014212, OMIM 615501.

Allele frequency attached by ClinVar (database versions not stated): TOPMed below 0.00001; gnomAD 0.00001.
gnomAD v4.1: 1 of 1,613,166 alleles (0.000062%); highest among the groups gnomAD compares: African/African-American, 0.0013%; no homozygotes.

Submission:

Labcorp Genetics (formerly Invitae), Labcorp
Classification: Uncertain significance for Sulfite oxidase deficiency due to molybdenum cofactor deficiency type C. Last evaluated: 2022-07-26. Review status: criteria provided, single submitter. Criteria: Invitae Variant Classification Sherloc (09022015). Collection method: clinical testing. Allele origin: germline.
Comment: In summary, the available evidence is currently insufficient to determine the role of this variant in disease. Therefore, it has been classified as a Variant of Uncertain Significance. Algorithms developed to predict the effect of missense changes on protein structure and function are either unavailable or do not agree on the potential impact of this missense change (SIFT: "Deleterious"; PolyPhen-2: "Probably Damaging"; Align-GVGD: "Class C0"). This variant has not been reported in the literature in individuals affected with GPHN-related conditions. This variant is not present in population databases (gnomAD no frequency). This sequence change replaces cysteine, which is neutral and slightly polar, with tyrosine, which is neutral and polar, at codon 326 of the GPHN protein (p.Cys326Tyr).